The following is an entry in ClinVar:

ClinVar aggregate classification (germline): Uncertain significance (1 of 4 stars; one submission).

Submission:

CeGaT Center for Human Genetics Tuebingen
Classification: Uncertain significance. Last evaluated: 2026-09-01. Review status: criteria provided, single submitter. Criteria: CeGaT Center For Human Genetics Tuebingen Variant Classification Criteria Version 2. Collection method: clinical testing. Allele origin: germline. Affected: yes. Observed: 1 variant allele.
Comment: SPOP: PM2, PP2, PP3

NM_001007228.2(SPOP):c.638C>A (p.Ala213Asp)

Gene: SPOP (speckle type BTB/POZ protein; minus strand). Cytogenetic location: 17q21.33.
Variant type: single nucleotide variant.
Coding change: c.638C>A on transcript NM_001007228.2 (MANE Select); coding-DNA position 638, C replaced by A.
Protein change: p.Ala213Asp; replaces alanine 213 with aspartic acid.
Molecular consequence: missense variant.
Genome position (GRCh38, 1-based): chr17:49,611,300, G>T on the plus strand (C>A on the coding strand, the complement: SPOP is on the minus strand). VCF-style: chr17-49611300-G-T. GRCh37 (hg19) VCF-style: chr17-47688662-G-T.
Other names: c.638C>A, p.Ala213Asp (NM_001007226.1, NM_001007227.1, NM_001007229.1 and 5 more transcripts); short protein forms A213D.
Identifiers: ClinVar variation 5041799 (VCV005041799.1).